The following is an entry in ClinVar:

NM_004984.4(KIF5A):c.1636C>T (p.Arg546Ter)

Gene: KIF5A (kinesin family member 5A; plus strand). Cytogenetic location: 12q13.3.
Variant type: single nucleotide variant.
Coding change: c.1636C>T on transcript NM_004984.4 (MANE Select); coding-DNA position 1636, C replaced by T.
Protein change: p.Arg546Ter; replaces arginine 546 with a stop codon.
Molecular consequence: nonsense.
Genome position (GRCh38, 1-based): chr12:57,572,646, C>T. VCF-style: chr12-57572646-C-T. GRCh37 (hg19) VCF-style: chr12-57966429-C-T.
Other names: p.Arg546*; c.1369C>T, p.Arg457Ter (NM_001354705.2); short protein forms R457*, R546*.
Identifiers: ClinVar variation 987386 (VCV000987386.4), dbSNP rs185438769, ClinGen allele CA6652887.

ClinVar aggregate classification (germline): Conflicting classifications of pathogenicity. Review status: criteria provided, conflicting classifications (1 of 4 stars). 3 submissions from 3 submitters: Pathogenic (1); Uncertain significance (2). Last evaluated 2025-12-04.

Conditions:
Hereditary spastic paraplegia 10 (SPG10). Also called: SPASTIC PARAPLEGIA 10 WITH OR WITHOUT PERIPHERAL NEUROPATHY; SPASTIC PARAPLEGIA 10 WITH PERIPHERAL NEUROPATHY; SPASTIC PARAPLEGIA 10, AUTOSOMAL DOMINANT. Identifiers: Orphanet 100991, MedGen C1858712, MONDO:0011408, OMIM 604187.
Myoclonus, intractable, neonatal (NEIMY). Identifiers: MedGen C4310658, MONDO:0014979, OMIM 617235.

Allele frequency attached by ClinVar (database versions not stated): gnomAD exomes below 0.00001; ExAC 0.00001; gnomAD 0.00001; 1000 Genomes Project 30x 0.00016; 1000 Genomes Project 0.00020.
gnomAD v4.1: 3 of 1,614,184 alleles (0.00019%); highest among the groups gnomAD compares: Non-Finnish European, 0.00025%; no homozygotes.

Submissions (3):

Clinical Genomics Laboratory, Washington University in St. Louis
Classification: Uncertain significance for Myoclonus, intractable, neonatal; Hereditary spastic paraplegia 10. Last evaluated: 2025-12-04. Review status: criteria provided, single submitter. Criteria: ACMG Guidelines, 2015. Collection method: clinical testing. Allele origin: germline.
Comment: The KIF5A c.1636C>T (p.Arg546*) variant, to our knowledge, has not been reported in the medical literature. This variant has been reported in the ClinVar database as a germline pathogenic variant by one submitter. This variant is only observed in 1/251,484 alleles in the general population (gnomAD v.2.1.1), indicating it is not a common variant. This variant introduces a premature termination codon predicted to result in nonsense-mediated decay; however, loss of function is not the known disease mechanism for KIF5A-related disorders, as the few described loss-of-function variants eliminate only the tail domain, disrupting autoinhibition and acting in a dominant-negative manner by sequestering wild-type KIF5A (Cozzi M et al., PMID: 40524150). Due to limited information, and based on ACMG/AMP guidelines for variant interpretation (Richards S et al., PMID: 25741868), the clinical significance of this variant is uncertain at this time.

Mayo Clinic Laboratories, Mayo Clinic
Classification: Uncertain significance. Last evaluated: 2025-01-28. Review status: criteria provided, single submitter. Criteria: ACMG Guidelines, 2015. Collection method: clinical testing. Allele origin: germline. Observed: 1 variant allele.
Comment: PVS1

Institute of Medical Genetics and Applied Genomics, University Hospital Tübingen
Classification: Pathogenic. Last evaluated: 2020-10-23. Review status: criteria provided, single submitter. Criteria: ACMG Guidelines, 2015. Collection method: clinical testing. Allele origin: germline. Inheritance: Autosomal dominant inheritance. Affected: yes.